The following is an entry in ClinVar:

NM_001040108.2(MLH3):c.3428C>G (p.Ser1143Ter)

Gene: MLH3 (mutL homolog 3; minus strand). Cytogenetic location: 14q24.3.
Variant type: single nucleotide variant.
Coding change: c.3428C>G on transcript NM_001040108.2 (MANE Select); coding-DNA position 3428, C replaced by G.
Protein change: p.Ser1143Ter; replaces serine 1143 with a stop codon.
Molecular consequence: nonsense.
Genome position (GRCh38, 1-based): chr14:75,041,652, G>C on the plus strand (C>G on the coding strand, the complement: MLH3 is on the minus strand). VCF-style: chr14-75041652-G-C. GRCh37 (hg19) VCF-style: chr14-75508355-G-C.
Other names: c.3428C>G, p.Ser1143Ter (NM_014381.3); short protein forms S1143*.
Identifiers: ClinVar variation 864171 (VCV000864171.8), dbSNP rs1891864615, ClinGen allele CA390430716.
Genomic context (GRCh38, chr14:75,041,652, plus strand): 5'-AAGAAAAACTGCTACAGACCCACCTCTGGATAACGGGCAAATACTGGATTGTCCCATTCT[G>C]AGAACAAAGACTGAAGCGATTCGCTACTAACAGTATCATCCACAGTATCTAGGGCAAAAG-3'

ClinVar aggregate classification (germline): Conflicting classifications of pathogenicity. Review status: criteria provided, conflicting classifications (1 of 4 stars). 2 submissions from 2 submitters: Pathogenic (1); Uncertain significance (1). Last evaluated 2026-08-04.

Conditions:
Colorectal cancer, hereditary nonpolyposis, type 7. Identifiers: Orphanet 144, MedGen C1858380, MONDO:0013725, OMIM 614385.

Submissions (2):

Ambry Genetics
Classification: Pathogenic. Last evaluated: 2026-08-04. Review status: criteria provided, single submitter. Criteria: Ambry Variant Classification Scheme 2023. Collection method: clinical testing. Allele origin: germline.
Comment: The p.S1143* pathogenic mutation (also known as c.3428C>G), located in coding exon 3 of the MLH3 gene, results from a C to G substitution at nucleotide position 3428. This changes the amino acid from a serine to a stop codon within coding exon 3. This variant is considered to be rare based on population cohorts in the Genome Aggregation Database (gnomAD). This alteration is expected to result in loss of function by premature protein truncation or nonsense-mediated mRNA decay. As such, this alteration is interpreted as a disease-causing mutation.

Labcorp Genetics (formerly Invitae), Labcorp
Classification: Uncertain significance for Colorectal cancer, hereditary nonpolyposis, type 7. Last evaluated: 2019-05-16. Review status: criteria provided, single submitter. Criteria: Invitae Variant Classification Sherloc (09022015). Collection method: clinical testing. Allele origin: germline.
Comment: In summary, the available evidence is currently insufficient to determine the role of this variant in disease. Therefore, it has been classified as a Variant of Uncertain Significance. The current clinical and genetic evidence is not sufficient to establish whether loss-of-function variants in MLH3 cause disease. This variant has not been reported in the literature in individuals with MLH3-related conditions. This variant is not present in population databases (ExAC no frequency). This sequence change creates a premature translational stop signal (p.Ser1143*) in the MLH3 gene. It is expected to result in an absent or disrupted protein product.